The following is an entry in ClinVar:

NM_012448.4(STAT5B):c.1096C>G (p.Pro366Ala)

Gene: STAT5B (signal transducer and activator of transcription 5B; minus strand). Cytogenetic location: 17q21.2.
Variant type: single nucleotide variant.
Coding change: c.1096C>G on transcript NM_012448.4 (MANE Select); coding-DNA position 1096, C replaced by G.
Protein change: p.Pro366Ala; replaces proline 366 with alanine.
Molecular consequence: missense variant.
Genome position (GRCh38, 1-based): chr17:42,218,224, G>C on the plus strand (C>G on the coding strand, the complement: STAT5B is on the minus strand). VCF-style: chr17-42218224-G-C. GRCh37 (hg19) VCF-style: chr17-40370242-G-C.
Other names: short protein forms P366A.
Identifiers: ClinVar variation 3651161 (VCV003651161.2).

ClinVar aggregate classification (germline): Uncertain significance (1 of 4 stars; one submission).

Conditions:
Growth hormone insensitivity with immune dysregulation 1, autosomal recessive. Also called: GROWTH HORMONE INSENSITIVITY DUE TO POSTRECEPTOR DEFECT; LARON SYNDROME DUE TO POSTRECEPTOR DEFECT; GROWTH HORMONE INSENSITIVITY SYNDROME WITH IMMUNE DYSREGULATION 1, AUTOSOMAL RECESSIVE; Laron syndrome with immunodeficiency. Identifiers: Orphanet 220465, MedGen C5435698, MONDO:0100211, OMIM 245590.

Submission:

Labcorp Genetics (formerly Invitae), Labcorp
Classification: Uncertain significance for Growth hormone insensitivity with immune dysregulation 1, autosomal recessive. Last evaluated: 2024-05-06. Review status: criteria provided, single submitter. Criteria: Invitae Variant Classification Sherloc (09022015). Collection method: clinical testing. Allele origin: germline.
Comment: This sequence change replaces proline, which is neutral and non-polar, with alanine, which is neutral and non-polar, at codon 366 of the STAT5B protein (p.Pro366Ala). This variant is present in population databases (no rsID available, gnomAD 0.0009%). This variant has not been reported in the literature in individuals affected with STAT5B-related conditions. Advanced modeling of protein sequence and biophysical properties (such as structural, functional, and spatial information, amino acid conservation, physicochemical variation, residue mobility, and thermodynamic stability) performed at Invitae indicates that this missense variant is not expected to disrupt STAT5B protein function with a negative predictive value of 80%. In summary, the available evidence is currently insufficient to determine the role of this variant in disease. Therefore, it has been classified as a Variant of Uncertain Significance.